The following is an entry in ClinVar:

ClinVar aggregate classification (germline): Conflicting classifications of pathogenicity. Review status: criteria provided, conflicting classifications (1 of 4 stars). 5 submissions from 5 submitters: Likely pathogenic (1); Uncertain significance (4). Last evaluated 2026-01-26.

Conditions:
Noonan syndrome 10 (NS10). Identifiers: Orphanet 648, MedGen C4225280, MONDO:0014693, OMIM 616564.
LZTR1-related schwannomatosis. Also called: Schwannomatosis 2; Schwannomatosis-2, susceptibility to. Identifiers: Orphanet 93921, MedGen C3810283, MONDO:0014299, OMIM 615670.
Noonan syndrome 2 (NS2). Identifiers: Orphanet 648, MedGen C1854469, MONDO:0011531, OMIM 605275.
Cardiovascular phenotype. Identifiers: MedGen CN230736.
Hereditary cancer-predisposing syndrome. Also called: Hereditary neoplastic syndrome; Neoplastic Syndromes, Hereditary; Tumor predisposition; Hereditary Cancer Syndrome. Identifiers: Orphanet 140162, MedGen C0027672, MeSH D009386, MONDO:0015356.

gnomAD v4.1: 9 of 1,613,372 alleles (0.00056%); highest among the groups gnomAD compares: African/African-American, 0.011%; no homozygotes.

Submissions (5):

Labcorp Genetics (formerly Invitae), Labcorp
Classification: Uncertain significance. Last evaluated: 2026-01-26. Review status: criteria provided, single submitter. Criteria: Invitae Variant Classification Sherloc (09022015). Collection method: clinical testing. Allele origin: germline.
Comment: This sequence change replaces glycine, which is neutral and non-polar, with valine, which is neutral and non-polar, at codon 88 of the LZTR1 protein (p.Gly88Val). This variant also falls at the last nucleotide of exon 2, which is part of the consensus splice site for this exon. This variant is not present in population databases (gnomAD no frequency). This variant has not been reported in the literature in individuals affected with LZTR1-related conditions. ClinVar contains an entry for this variant (Variation ID: 1508335). An algorithm developed to predict the effect of missense changes on protein structure and function (PolyPhen-2) suggests that this variant is likely to be disruptive. Variants that disrupt the consensus splice site are a relatively common cause of aberrant splicing (PMID: 17576681, 9536098). Algorithms developed to predict the effect of sequence changes on RNA splicing suggest that this variant may disrupt the consensus splice site. In summary, the available evidence is currently insufficient to determine the role of this variant in disease. Therefore, it has been classified as a Variant of Uncertain Significance.

Ambry Genetics
Classification: Likely pathogenic for Cardiovascular phenotype; Hereditary cancer-predisposing syndrome. Last evaluated: 2024-11-08. Review status: criteria provided, single submitter. Criteria: Ambry Variant Classification Scheme 2023. Collection method: clinical testing. Allele origin: germline.
Comment: The c.263G>T variant (also known as p.G88V), located in coding exon 2 of the LZTR1 gene, results from a G to T substitution at nucleotide position 263. The amino acid change results in glycine to valine at codon 88, an amino acid with dissimilar properties. However, this change occurs in the last base pair of coding exon 2, which makes it likely to have some effect on normal mRNA splicing. RNA studies have demonstrated that this alteration results in abnormal splicing in the set of samples tested (Ambry internal data). This nucleotide position is highly conserved in available vertebrate species. In silico splice site analysis predicts that this alteration will weaken the native splice donor site and may result in the creation or strengthening of a novel splice donor site. This variant is considered to be rare based on population cohorts in the Genome Aggregation Database (gnomAD). Loss-of-function variants in LZTR1 are related to an increased risk for schwannomas and autosomal recessive Noonan syndrome; however, such associations with autosomal dominant Noonan syndrome have not been observed (Piotrowski A et al. Nat Genet. 2014 Feb;46:182-7; Yamamoto GL et al. J Med Genet. 2015 Jun;52:413-21; Johnston JJ et al. Genet Med. 2018 10;20:1175-1185). Based on the supporting evidence, this variant is likely pathogenic for an increased risk of LZTR1-related schwannomatosis (SWN) and would be expected to cause autosomal recessive Noonan syndrome when present along with a second pathogenic or likely pathogenic variant on the other allele; however, the association of this alteration with autosomal dominant Noonan syndrome is unlikely.

Fulgent Genetics
Classification: Uncertain significance for Noonan syndrome 2; LZTR1-related schwannomatosis; Noonan syndrome 10. Last evaluated: 2024-04-23. Review status: criteria provided, single submitter. Criteria: ACMG Guidelines, 2015. Collection method: clinical testing. Allele origin: germline.

Baylor Genetics
Classification: Uncertain significance for LZTR1-related schwannomatosis. Last evaluated: 2024-02-19. Review status: criteria provided, single submitter. Criteria: ACMG Guidelines, 2015. Collection method: clinical testing. Allele origin: unknown.

GeneDx
Classification: Uncertain significance. Last evaluated: 2022-10-20. Review status: criteria provided, single submitter. Criteria: GeneDx Variant Classification Process June 2021. Collection method: clinical testing. Allele origin: germline. Affected: yes.
Comment: Not observed at significant frequency in large population cohorts (gnomAD); In silico analysis supports that this missense variant has a deleterious effect on protein structure/function; In silico analysis supports a deleterious effect on splicing; Has not been previously published as pathogenic or benign to our knowledge

Literature cited by the submitters: PubMed 17576681 (cited by Labcorp Genetics (formerly Invitae), Labcorp); PubMed 9536098 (cited by Labcorp Genetics (formerly Invitae), Labcorp).

NM_006767.4(LZTR1):c.263G>T (p.Gly88Val)

Gene: LZTR1 (leucine zipper like post translational regulator 1; plus strand). Cytogenetic location: 22q11.21.
Variant type: single nucleotide variant.
Coding change: c.263G>T on transcript NM_006767.4 (MANE Select); coding-DNA position 263, G replaced by T.
Protein change: p.Gly88Val; replaces glycine 88 with valine.
Molecular consequence: missense variant.
Genome position (GRCh38, 1-based): chr22:20,983,089, G>T. VCF-style: chr22-20983089-G-T. GRCh37 (hg19) VCF-style: chr22-21337378-G-T.
Other names: c.263G>T (NM_006767.3); short protein forms G88V.
Identifiers: ClinVar variation 1508335 (VCV001508335.13), dbSNP rs1051725799, ClinGen allele CA322316706.